The following is an entry in ClinVar:

ClinVar aggregate classification (germline): Uncertain significance (1 of 4 stars; one submission).

Allele frequency attached by ClinVar (database versions not stated): TOPMed below 0.00001.

Submission:

Labcorp Genetics (formerly Invitae), Labcorp
Classification: Uncertain significance. Last evaluated: 2025-10-28. Review status: criteria provided, single submitter. Criteria: Invitae Variant Classification Sherloc (09022015). Collection method: clinical testing. Allele origin: germline.
Comment: This sequence change replaces alanine, which is neutral and non-polar, with glutamic acid, which is acidic and polar, at codon 319 of the GPR88 protein (p.Ala319Glu). This variant is not present in population databases (gnomAD no frequency). This variant has not been reported in the literature in individuals affected with GPR88-related conditions. ClinVar contains an entry for this variant (Variation ID: 1715706). An algorithm developed to predict the effect of missense changes on protein structure and function (PolyPhen-2) suggests that this variant is likely to be disruptive. In summary, the available evidence is currently insufficient to determine the role of this variant in disease. Therefore, it has been classified as a Variant of Uncertain Significance.

NM_022049.3(GPR88):c.956C>A (p.Ala319Glu)

Gene: GPR88 (G protein-coupled receptor 88; plus strand). Cytogenetic location: 1p21.2.
Variant type: single nucleotide variant.
Coding change: c.956C>A on transcript NM_022049.3 (MANE Select); coding-DNA position 956, C replaced by A.
Protein change: p.Ala319Glu; replaces alanine 319 with glutamic acid.
Molecular consequence: missense variant.
Genome position (GRCh38, 1-based): chr1:100,539,922, C>A. VCF-style: chr1-100539922-C-A. GRCh37 (hg19) VCF-style: chr1-101005478-C-A.
Other names: short protein forms A319E.
Identifiers: ClinVar variation 1715706 (VCV001715706.5), dbSNP rs777448957, ClinGen allele CA341392823.
Genomic context (GRCh38, chr1:100,539,922, plus strand): 5'-CACTGGTGTGGGTGAGCCTGGCCAGCGGCTTCTCGCTGCCGGTGCCCTGGGGAGTGCAGG[C>A]GGCCAGCTGGCTCCTGTGCTGCGCCCTGTCCGCGCTCAATCCGCTGCTCTACACGTGGAG-3'
Protein context (NP_071332.2, residues 309-329): FSLPVPWGVQ[Ala319Glu]ASWLLCCALS